The following is an entry in ClinVar:

NM_181552.4(CUX1):c.2560_2571del (p.Ser854_Ser857del)

Gene: CUX1 (cut like homeobox 1; plus strand). Cytogenetic location: 7q22.1.
Variant type: Deletion.
Coding change: c.2560_2571del on transcript NM_181552.4 (MANE Select); coding-DNA positions 2560 to 2571, 12 bases deleted (AGCGGTGGCAGC).
Protein change: p.Ser854_Ser857del.
Molecular consequence: intron variant (on NM_001913.5).
Genome position (GRCh38, 1-based): chr7:102,201,857-102,201,868, AGCGGTGGCAGC deleted; deleting any 12 consecutive bases within chr7:102,201,855-102,201,868 gives the same sequence; the c. name uses the placement nearest the transcript's 3' end. VCF-style (leftmost placement, unchanged base first): chr7-102201854-GGCAGCGGTGGCA-G. GRCh37 (hg19) VCF-style: chr7-101845134-GGCAGCGGTGGCA-G.
Other names: c.2593_2604del, p.Ser865_Ser868del (NM_001202543.2); c.1255+6254_1255+6265del (NM_001913.5); c.1249+6254_1249+6265del (NM_181500.4); c.1117+6254_1117+6265del (NM_001202545.3); c.1207+6254_1207+6265del (NM_001202544.3); c.1138+6254_1138+6265del (NM_001202546.3).
Identifiers: ClinVar variation 4681549 (VCV004681549.5).

ClinVar aggregate classification (germline): Uncertain significance (1 of 4 stars; one submission).

Submission:

CeGaT Center for Human Genetics Tuebingen
Classification: Uncertain significance. Last evaluated: 2025-12-01. Review status: criteria provided, single submitter. Criteria: CeGaT Center For Human Genetics Tuebingen Variant Classification Criteria Version 2. Collection method: clinical testing. Allele origin: germline. Affected: yes. Observed: 1 variant allele.
Comment: CUX1: PM4